The following is an entry in ClinVar:

ClinVar aggregate classification (germline): Uncertain significance (1 of 4 stars; one submission).

Conditions:
Autosomal recessive congenital ichthyosis 1 (LI1). Also called: ICHTHYOSIS CONGENITA; ICHTHYOSIS CONGENITA II; LAMELLAR EXFOLIATION OF NEWBORN; ICHTHYOSIS, CONGENITAL, AUTOSOMAL RECESSIVE 1, WITH BATHING SUIT DISTRIBUTION; ICHTHYOSIS, CONGENITAL, AUTOSOMAL RECESSIVE 1, WITH OR WITHOUT BATHING SUIT DISTRIBUTION; COLLODION FETUS. Identifiers: MedGen C4551630, MONDO:0009441, OMIM 242300.

Submission:

Neuberg Centre For Genomic Medicine, NCGM
Classification: Uncertain significance for Autosomal recessive congenital ichthyosis 1. Review status: criteria provided, single submitter. Criteria: ACMG Guidelines, 2015. Collection method: clinical testing. Allele origin: germline. Inheritance: Autosomal recessive inheritance. Affected: yes.
Comment: The missense variant c.577T>C (p.Trp193Arg) in the TGM1 gene has not been reported previously as a pathogenic variant nor as a benign variant, to our knowledge. This variant is absent in the gnomAD Exomes. The amino acid Tryptophan at position 193 is changed to an Arginine changing protein sequence and it might alter its composition and physico-chemical properties. The variant is predicted as damaging by SIFT. The amino acid change p.Trp193Arg in TGM1 is predicted as conserved by GERP++ and PhyloP across 100 vertebrates. For these reasons, this variant has been classified as Uncertain Significance.

NM_000359.3(TGM1):c.577T>C (p.Trp193Arg)

Gene: TGM1 (transglutaminase 1; minus strand). Cytogenetic location: 14q12.
Variant type: single nucleotide variant.
Coding change: c.577T>C on transcript NM_000359.3 (MANE Select); coding-DNA position 577, T replaced by C.
Protein change: p.Trp193Arg; replaces tryptophan 193 with arginine.
Molecular consequence: missense variant.
Genome position (GRCh38, 1-based): chr14:24,260,630, A>G on the plus strand (T>C on the coding strand, the complement: TGM1 is on the minus strand). VCF-style: chr14-24260630-A-G. GRCh37 (hg19) VCF-style: chr14-24729836-A-G.
Other names: short protein forms W193R.
Identifiers: ClinVar variation 3242080 (VCV003242080.1), dbSNP rs2502506012.
Genomic context (GRCh38, chr14:24,260,630, plus strand): 5'-GGGAAGTGTGGACCCGCAGGTTCAGATTCTGCCCACTGGCCTTGACCACCTGGGCTTTCC[A>G]GCCTCCACTGCCCCCCTTGCCCACTGGGATGATCACGTGCGTGCCCTTGCCCACCTCGGG-3'
Protein context (NP_000350.1, residues 183-203): IPVGKGGSGG[Trp193Arg]KAQVVKASGQ